The following is an entry in ClinVar:

NM_006361.6(HOXB13):c.726C>T (p.Thr242=)

Gene: HOXB13 (homeobox B13; minus strand). Cytogenetic location: 17q21.32.
Variant type: single nucleotide variant.
Coding change: c.726C>T on transcript NM_006361.6 (MANE Select); coding-DNA position 726, C replaced by T.
Protein change: p.Thr242=; no amino-acid change (threonine 242 retained).
Molecular consequence: synonymous variant.
Genome position (GRCh38, 1-based): chr17:48,726,919, G>A on the plus strand (C>T on the coding strand, the complement: HOXB13 is on the minus strand). VCF-style: chr17-48726919-G-A. GRCh37 (hg19) VCF-style: chr17-46804281-G-A.
Identifiers: ClinVar variation 691165 (VCV000691165.3), dbSNP rs1597932743, ClinGen allele CA500500805.

ClinVar aggregate classification (germline): Benign. Review status: criteria provided, single submitter (1 of 4 stars). 2 submissions from 2 submitters: Benign (1). 1 of the submissions does not count toward it. Last evaluated 2024-10-31.

Conditions:
Prostate cancer, hereditary, 1 (HPC1). Identifiers: Orphanet 1331, MedGen C4722327, MONDO:0011098, OMIM 601518.
Prostate cancer, hereditary, 9 (HPC9). Identifiers: Orphanet 1331, MedGen C1970250, MONDO:0012597, OMIM 610997.

gnomAD v4.1: 1 of 1,613,966 alleles (0.000062%); highest among the groups gnomAD compares: Non-Finnish European, 0.000085%; no homozygotes.

Submissions (2):

Myriad Genetics, Inc.
Classification: Benign for Prostate cancer, hereditary, 9. Last evaluated: 2024-10-31. Review status: criteria provided, single submitter. Criteria: Myriad Autosomal Dominant, Autosomal Recessive and X-Linked Classification Criteria (2023). Collection method: clinical testing. Allele origin: unknown.
Comment: This variant is considered benign. This variant is a silent/synonymous amino acid change and it is not expected to impact splicing.

Laboratory of Virology, Microbiology,  Quality and Medical Biotechnologies, Faculty of Sciences and Techniques - Mohammedia, Hassan II University of Casablanca
Classification: Uncertain significance for Prostate cancer, hereditary, 1. Review status: no assertion criteria provided. Collection method: clinical testing. Allele origin: somatic. Affected: yes. Not counted in ClinVar's aggregate classification.